The following is an entry in ClinVar:

NM_001377265.1(MAPT):c.868A>C (p.Lys290Gln)

Gene: MAPT (microtubule associated protein tau). Cytogenetic location: 17q21.31.
Variant type: single nucleotide variant.
Coding change: c.868A>C on transcript NM_001377265.1 (MANE Select); coding-DNA position 868, A replaced by C.
Protein change: p.Lys290Gln; replaces lysine 290 with glutamine.
Molecular consequence: missense variant. On other transcripts: intron variant (8).
Genome position (GRCh38, 1-based): chr17:45,983,447, A>C. VCF-style: chr17-45983447-A-C. GRCh37 (hg19) VCF-style: chr17-44060813-A-C.
Other names: c.643A>C, p.Lys215Gln (NM_001123066.4, NM_016835.5); c.868A>C, p.Lys290Gln (NM_001377266.1); c.200-3593A>C (NM_001377268.1, NM_016834.5, NM_016841.5); c.374-3593A>C (NM_005910.6, NM_001203252.2); c.287-3593A>C (NM_001123067.4, NM_001203251.2, NM_001377267.1); short protein forms K215Q, K290Q.
Identifiers: ClinVar variation 4849948 (VCV004849948.1).

ClinVar aggregate classification (germline): Uncertain significance (0 of 4 stars; one submission).

Conditions:
Frontotemporal dementia (FTD1). Also called: Frontotemporal Dementia with Parkinsonism-17 (FTDP-17); Frontotemporal lobe dementia (FLDEM); FRONTOTEMPORAL LOBAR DEGENERATION WITH TAU INCLUSIONS; FTLD WITH TAU INCLUSIONS; FRONTOTEMPORAL DEMENTIA WITH PARKINSONISM; FRONTOTEMPORAL LOBE DEMENTIA. Identifiers: Orphanet 282, MedGen C0338451, MONDO:0017276, OMIM 600274, HP:0002145.

gnomAD v4.1: 4 of 1,606,930 alleles (0.00025%); highest among the groups gnomAD compares: Non-Finnish European, 0.00034%; no homozygotes.

Submission:

Medical Genetics Unit, Mauro Baschirotto Institute for Rare Disease
Classification: Uncertain significance for Frontotemporal dementia. Last evaluated: 2026-04-20. Review status: no assertion criteria provided. Collection method: clinical testing. Allele origin: germline. Affected: yes. Observed: 1 variant allele.
Comment: This variant was interpreted by the AD-FTD Italian Consortium, including the following participating institutions: Mauro Baschirotto Institute for Rare Disease, Medical Genetics Unit (Dr Paola de Gemmis, Dr Daniela Segat, Dr Chiara Stefani); Neurology Unit, Department of Biomedicine, Neurosciences and Advanced Diagnostics, University of Palermo, Italy (Dr Tommaso Piccoli); Neurology Unit, Santa Maria della Misericordia Hospital, Perugia, Italy (Dr Lorenzo Gaetani). The participating laboratories jointly contributed to patient recruitment, clinical data collection, and variant interpretation and classification. The c.868A>C;p.Lys290Gln variant in MAPT is a missense change located in exon 5 of the gene; it is reported in the general population with a gnomAD frequency of 0.000240%, with no homozygous individuals observed. The variant p.Lys290Gln replaces lysine 290 with glutamine at a conserved KXGS motif (K290IGS) within the second microtubule‑binding repeat (R2) of tau. This lysine is one of four KXGS lysines (K259, K290, K321, K353) that are typically acetylated under physiological conditions and show reduced acetylation in tauopathy brains. Computational prediction scores include: SIFT prediction (uncertain, score 0.022), FATHMM prediction (uncertain, score 2.94) and REVEL (benign strong, score 0). Taken together all of these data suggest an uncertain significance classification for this variant.